The following is an entry in ClinVar:

ClinVar aggregate classification (germline): Conflicting classifications of pathogenicity. Review status: criteria provided, conflicting classifications (1 of 4 stars). 3 submissions from 3 submitters: Uncertain significance (2); Likely benign (1). Last evaluated 2025-02-24.

Allele frequency attached by ClinVar (database versions not stated): gnomAD exomes 0.00012 and 0.00015; TOPMed 0.00014; ExAC 0.00016; gnomAD 0.00019 and 0.00021.
gnomAD v4.1: 211 of 1,613,584 alleles (0.013%); highest among the groups gnomAD compares: Middle Eastern, 0.2%; 2 homozygotes.

Submissions (3):

Labcorp Genetics (formerly Invitae), Labcorp
Classification: Uncertain significance. Last evaluated: 2025-02-24. Review status: criteria provided, single submitter. Criteria: Invitae Variant Classification Sherloc (09022015). Collection method: clinical testing. Allele origin: germline.
Comment: This sequence change replaces tyrosine, which is neutral and polar, with cysteine, which is neutral and slightly polar, at codon 1233 of the HTT protein (p.Tyr1233Cys). This variant is present in population databases (rs756082346, gnomAD 0.03%). This variant has not been reported in the literature in individuals affected with HTT-related conditions. ClinVar contains an entry for this variant (Variation ID: 1447233). Experimental studies and prediction algorithms are not available or were not evaluated, and the functional significance of this variant is currently unknown. In summary, the available evidence is currently insufficient to determine the role of this variant in disease. Therefore, it has been classified as a Variant of Uncertain Significance.

Blueprint Genetics
Classification: Likely benign. Last evaluated: 2024-10-23. Review status: criteria provided, single submitter. Criteria: ACMG Guidelines, 2015. Collection method: clinical testing. Allele origin: germline.

Breakthrough Genomics
Classification: Uncertain significance. Review status: criteria provided, single submitter. Criteria: ACMG Guidelines, 2015. Collection method: not provided. Allele origin: germline. Inheritance: Autosomal recessive inheritance. Affected: yes.

NM_001388492.1(HTT):c.3692A>G (p.Tyr1231Cys)

Gene: HTT (huntingtin; plus strand). Cytogenetic location: 4p16.3.
Variant type: single nucleotide variant.
Coding change: c.3692A>G on transcript NM_001388492.1 (MANE Select); coding-DNA position 3692, A replaced by G.
Protein change: p.Tyr1231Cys; replaces tyrosine 1231 with cysteine.
Molecular consequence: missense variant.
Genome position (GRCh38, 1-based): chr4:3,157,138, A>G. VCF-style: chr4-3157138-A-G. GRCh37 (hg19) VCF-style: chr4-3158865-A-G.
Other names: c.3698A>G, p.Tyr1233Cys (NM_002111.8); short protein forms Y1231C, Y1233C.
Identifiers: ClinVar variation 1447233 (VCV001447233.8), dbSNP rs756082346, ClinGen allele CA2824209.